The following is an entry in ClinVar:

NM_021964.3(ZNF148):c.2052G>A (p.Gln684=)

Genes: ZNF148 (zinc finger protein 148; minus strand), LOC126806798 (P300/CBP strongly-dependent group 1 enhancer GRCh37_chr3:124950809-124952008; plus strand). Cytogenetic location: 3q21.2.
Variant type: single nucleotide variant.
Coding change: c.2052G>A on transcript NM_021964.3 (MANE Select); coding-DNA position 2052, G replaced by A.
Protein change: p.Gln684=; no amino-acid change (glutamine 684 retained).
Molecular consequence: synonymous variant.
Genome position (GRCh38, 1-based): chr3:125,232,674, C>T on the plus strand (G>A on the coding strand, the complement: ZNF148 is on the minus strand). VCF-style: chr3-125232674-C-T. GRCh37 (hg19) VCF-style: chr3-124951518-C-T.
Other names: c.2052G>A, p.Gln684= (NM_001348424.1, NM_001348425.2, NM_001348426.2 and 7 more transcripts); c.1926G>A, p.Gln642= (NM_001348434.2).
Identifiers: ClinVar variation 727958 (VCV000727958.9), dbSNP rs145532752, ClinGen allele CA2585179.

ClinVar aggregate classification (germline): Likely benign. Review status: criteria provided, multiple submitters, no conflicts (2 of 4 stars). 2 submissions from 2 submitters: Likely benign (2). Last evaluated 2026-02-01.

Allele frequency attached by ClinVar (database versions not stated): ExAC 0.00014; ESP Exome Variant Server 0.00023; gnomAD exomes 0.00025 and 0.00053; gnomAD 0.00029 and 0.00030; TOPMed 0.00029.
gnomAD v4.1: 806 of 1,613,826 alleles (0.05%); highest among the groups gnomAD compares: Non-Finnish European, 0.065%; 1 homozygote.

Submissions (2):

CeGaT Center for Human Genetics Tuebingen
Classification: Likely benign. Last evaluated: 2026-02-01. Review status: criteria provided, single submitter. Criteria: CeGaT Center For Human Genetics Tuebingen Variant Classification Criteria Version 2. Collection method: clinical testing. Allele origin: germline. Affected: yes. Observed: 2 variant alleles.
Comment: ZNF148: BP4, BP7

Labcorp Genetics (formerly Invitae), Labcorp
Classification: Likely benign. Last evaluated: 2018-04-16. Review status: criteria provided, single submitter. Criteria: Invitae Variant Classification Sherloc (09022015). Collection method: clinical testing. Allele origin: germline.